The following is an entry in ClinVar:

ClinVar aggregate classification (germline): Uncertain significance (1 of 4 stars; one submission).

Conditions:
Primary ciliary dyskinesia. Also called: Ciliary dyskinesia. Identifiers: Orphanet 244, MedGen C0008780, MONDO:0016575, HP:0012265.

Allele frequency attached by ClinVar (database versions not stated): gnomAD exomes below 0.00001 and 0.00001; TOPMed below 0.00001; ExAC 0.00001.
gnomAD v4.1: 2 of 1,614,162 alleles (0.00012%); highest among the groups gnomAD compares: Middle Eastern, 0.033%; no homozygotes.

Submission:

Labcorp Genetics (formerly Invitae), Labcorp
Classification: Uncertain significance for Primary ciliary dyskinesia. Last evaluated: 2022-09-01. Review status: criteria provided, single submitter. Criteria: Invitae Variant Classification Sherloc (09022015). Collection method: clinical testing. Allele origin: germline.
Comment: In summary, the available evidence is currently insufficient to determine the role of this variant in disease. Therefore, it has been classified as a Variant of Uncertain Significance. Algorithms developed to predict the effect of missense changes on protein structure and function (SIFT, PolyPhen-2, Align-GVGD) all suggest that this variant is likely to be tolerated. ClinVar contains an entry for this variant (Variation ID: 1424310). This variant has not been reported in the literature in individuals affected with DRC1-related conditions. This variant is present in population databases (rs377090460, gnomAD 0.002%). This sequence change replaces threonine, which is neutral and polar, with isoleucine, which is neutral and non-polar, at codon 682 of the DRC1 protein (p.Thr682Ile).

NM_145038.5(DRC1):c.2045C>T (p.Thr682Ile)

Gene: DRC1 (dynein regulatory complex subunit 1; plus strand). Cytogenetic location: 2p23.3.
Variant type: single nucleotide variant.
Coding change: c.2045C>T on transcript NM_145038.5 (MANE Select); coding-DNA position 2045, C replaced by T.
Protein change: p.Thr682Ile; replaces threonine 682 with isoleucine.
Molecular consequence: missense variant.
Genome position (GRCh38, 1-based): chr2:26,454,772, C>T. VCF-style: chr2-26454772-C-T. GRCh37 (hg19) VCF-style: chr2-26677640-C-T.
Other names: short protein forms T682I.
Identifiers: ClinVar variation 1424310 (VCV001424310.6), dbSNP rs377090460, ClinGen allele CA1562478.